The following is an entry in ClinVar:

NM_001267550.2(TTN):c.39625+2T>C

Gene: TTN (titin; minus strand). Cytogenetic location: 2q31.2.
Variant type: single nucleotide variant.
Coding change: c.39625+2T>C on transcript NM_001267550.2 (MANE Select); the canonical splice donor site of the intron after coding-DNA position 39625, T replaced by C.
Molecular consequence: splice donor variant. On other transcripts: intron variant (3).
Genome position (GRCh38, 1-based): chr2:178,651,241, A>G on the plus strand (T>C on the coding strand, the complement: TTN is on the minus strand). VCF-style: chr2-178651241-A-G. GRCh37 (hg19) VCF-style: chr2-179515968-A-G.
Other names: c.13283-8924T>C (NM_003319.4); c.13859-8924T>C (NM_133437.4); c.13658-8924T>C (NM_133432.3); c.32323+2T>C (NM_133378.4); c.35104+2T>C (NM_001256850.1).
Identifiers: ClinVar variation 1493847 (VCV001493847.8), dbSNP rs774766702, ClinGen allele CA1996654.

ClinVar aggregate classification (germline): Likely pathogenic (1 of 4 stars; one submission).

Conditions:
Dilated cardiomyopathy 1G (CMD1G). Identifiers: Orphanet 154, MedGen C1858763, MONDO:0011400, OMIM 604145.
Autosomal recessive limb-girdle muscular dystrophy type 2J (LGMDR10). Also called: Limb-girdle muscular dystrophy, type 2J; MUSCULAR DYSTROPHY, LIMB-GIRDLE, AUTOSOMAL RECESSIVE 10. Identifiers: Orphanet 140922, MedGen C1837342, MONDO:0012127, OMIM 608807.

Allele frequency attached by ClinVar (database versions not stated): gnomAD exomes below 0.00001; ExAC 0.00001.
gnomAD v4.1: 2 of 1,612,380 alleles (0.00012%); highest among the groups gnomAD compares: South Asian, 0.0022%; no homozygotes.

Submission:

Labcorp Genetics (formerly Invitae), Labcorp
Classification: Likely pathogenic for Dilated cardiomyopathy 1G; Autosomal recessive limb-girdle muscular dystrophy type 2J. Last evaluated: 2024-10-28. Review status: criteria provided, single submitter. Criteria: Invitae Variant Classification Sherloc (09022015). Collection method: clinical testing. Allele origin: germline.
Comment: This sequence change affects a donor splice site in intron 208 of the TTN gene. It is expected to disrupt RNA splicing and likely results in a truncated or disrupted TTN protein. This variant is present in population databases (rs774766702, gnomAD 0.003%). This variant has not been reported in the literature in individuals affected with TTN-related conditions. ClinVar contains an entry for this variant (Variation ID: 1493847). Algorithms developed to predict the effect of sequence changes on RNA splicing suggest that this variant may disrupt the consensus splice site. This variant is located in the I band of TTN (PMID: 25589632). Truncating variants in this region have been reported in individuals affected with autosomal recessive centronuclear myopathy (PMID: 23975875, internal data). Truncating variants in this region have also been identified in individuals affected with autosomal dominant dilated cardiomyopathy and/or cardio-related conditions (PMID: 27869827, 32964742, internal data). In summary, the currently available evidence indicates that the variant is pathogenic, but additional data are needed to prove that conclusively. Therefore, this variant has been classified as Likely Pathogenic.

Literature cited by the submitters: PubMed 25589632; PubMed 23975875; PubMed 27869827; PubMed 32964742.